The following is an entry in ClinVar:

ClinVar aggregate classification (germline): Uncertain significance. Review status: criteria provided, multiple submitters, no conflicts (2 of 4 stars). 3 submissions from 3 submitters: Uncertain significance (3). Last evaluated 2026-05-13.

Conditions:
Ullrich congenital muscular dystrophy 2 (UCMD2). Identifiers: Orphanet 75840, MedGen C4225314, MONDO:0014654, OMIM 616470.
Bethlem myopathy 2 (BTHLM2). Identifiers: Orphanet 536516, Orphanet 610, MedGen C4225313, MONDO:0034022, OMIM 616471.
Inborn genetic diseases. Identifiers: MedGen C0950123, MeSH D030342.

Allele frequency attached by ClinVar (database versions not stated): gnomAD 0.00001; gnomAD exomes below 0.00001; TOPMed 0.00001.
gnomAD v4.1: 5 of 1,612,178 alleles (0.00031%); highest among the groups gnomAD compares: African/African-American, 0.0013%; no homozygotes.

Submissions (3):

Women's Health and Genetics/Laboratory Corporation of America, LabCorp
Classification: Uncertain significance. Last evaluated: 2026-05-13. Review status: criteria provided, single submitter. Criteria: LabCorp Variant Classification Summary - May 2015. Collection method: clinical testing. Allele origin: germline.
Comment: Variant summary: COL12A1 c.4457G>T (p.Gly1486Val) results in a non-conservative amino acid change in the encoded protein sequence. Algorithms developed to predict the effect of missense changes on protein structure and function are either unavailable or do not agree on the potential impact of this missense change. The variant was absent in 246748 control chromosomes. The available data on variant occurrences in the general population are insufficient to allow any conclusion about variant significance. To our knowledge, no occurrence of c.4457G>T in individuals affected with COL12A1-related conditions and no experimental evidence demonstrating its impact on protein function have been reported. ClinVar contains an entry for this variant (Variation ID: 1019659). Based on the evidence outlined above, the variant was classified as uncertain significance.

Ambry Genetics
Classification: Uncertain significance for Inborn genetic diseases. Last evaluated: 2025-04-11. Review status: criteria provided, single submitter. Criteria: Ambry Variant Classification Scheme 2023. Collection method: clinical testing. Allele origin: germline.

Labcorp Genetics (formerly Invitae), Labcorp
Classification: Uncertain significance for Bethlem myopathy 2; Ullrich congenital muscular dystrophy 2. Last evaluated: 2025-01-15. Review status: criteria provided, single submitter. Criteria: Invitae Variant Classification Sherloc (09022015). Collection method: clinical testing. Allele origin: germline.
Comment: This sequence change replaces glycine, which is neutral and non-polar, with valine, which is neutral and non-polar, at codon 1486 of the COL12A1 protein (p.Gly1486Val). This variant is not present in population databases (gnomAD no frequency). This variant has not been reported in the literature in individuals affected with COL12A1-related conditions. ClinVar contains an entry for this variant (Variation ID: 1019659). Invitae Evidence Modeling of protein sequence and biophysical properties (such as structural, functional, and spatial information, amino acid conservation, physicochemical variation, residue mobility, and thermodynamic stability) indicates that this missense variant is not expected to disrupt COL12A1 protein function with a negative predictive value of 80%. In summary, the available evidence is currently insufficient to determine the role of this variant in disease. Therefore, it has been classified as a Variant of Uncertain Significance.

NM_004370.6(COL12A1):c.4457G>T (p.Gly1486Val)

Gene: COL12A1 (collagen type XII alpha 1 chain; minus strand). Cytogenetic location: 6q13.
Variant type: single nucleotide variant.
Coding change: c.4457G>T on transcript NM_004370.6 (MANE Select); coding-DNA position 4457, G replaced by T.
Protein change: p.Gly1486Val; replaces glycine 1486 with valine.
Molecular consequence: missense variant.
Genome position (GRCh38, 1-based): chr6:75,146,205, C>A on the plus strand (G>T on the coding strand, the complement: COL12A1 is on the minus strand). VCF-style: chr6-75146205-C-A. GRCh37 (hg19) VCF-style: chr6-75855921-C-A.
Other names: c.965G>T, p.Gly322Val (NM_080645.3); c.4457G>T (NM_004370.5); short protein forms G1486V, G322V.
Identifiers: ClinVar variation 1019659 (VCV001019659.11), dbSNP rs1353013260, ClinGen allele CA364743943.